The following is an entry in ClinVar:

NM_001040108.2(MLH3):c.4150_4151del (p.Leu1384fs)

Gene: MLH3 (mutL homolog 3; minus strand). Cytogenetic location: 14q24.3.
Variant type: Microsatellite.
Coding change: c.4150_4151del on transcript NM_001040108.2 (MANE Select); coding-DNA positions 4150 to 4151, 2 bases deleted (CT; older notation c.4150_4151delCT).
Protein change: p.Leu1384fs; shifts the reading frame from leucine 1384.
Molecular consequence: frameshift variant.
Genome position (GRCh38, 1-based): chr14:75,018,920-75,018,921, AG deleted on the plus strand (CT on the coding strand, the reverse complement: MLH3 is on the minus strand); deleting any 2 consecutive bases within chr14:75,018,920-75,018,923 gives the same sequence; the c. name uses the placement nearest the transcript's 3' end. VCF-style (leftmost placement, unchanged base first): chr14-75018919-CAG-C. GRCh37 (hg19) VCF-style: chr14-75485622-CAG-C.
Other names: c.4150_4151delCT (NM_001040108.1); c.4078_4079del, p.Leu1360fs (NM_014381.3); short protein forms L1360fs, L1384fs.
Identifiers: ClinVar variation 642151 (VCV000642151.15), dbSNP rs1162704717, ClinGen allele CA615050130.

ClinVar aggregate classification (germline): Uncertain significance. Review status: criteria provided, multiple submitters, no conflicts (2 of 4 stars). 4 submissions from 4 submitters: Uncertain significance (3). 1 of the submissions does not count toward it. Last evaluated 2026-06-02.

Conditions:
Colorectal cancer, hereditary nonpolyposis, type 7. Identifiers: Orphanet 144, MedGen C1858380, MONDO:0013725, OMIM 614385.
Colorectal cancer. Also called: Colorectal cancer, somatic; Malignant Colorectal Neoplasm. Identifiers: MedGen C0346629, MONDO:0005575, OMIM 114500.
Endometrial carcinoma. Also called: Endometrial carcinoma, somatic. Identifiers: MedGen C0476089, MONDO:0002447, OMIM 608089, HP:0012114.
MLH3-related disorder. Also called: MLH3-related condition.

Submissions (4):

Ambry Genetics
Classification: Uncertain significance. Last evaluated: 2026-06-02. Review status: criteria provided, single submitter. Criteria: Ambry Variant Classification Scheme 2023. Collection method: clinical testing. Allele origin: germline.
Comment: The c.4150_4151delCT variant, located in coding exon 11 of the MLH3 gene, results from a deletion of two nucleotides at nucleotide positions 4150 to 4151, causing a translational frameshift with a predicted alternate stop codon (p.L1384Vfs*21). This variant occurs at the 3' terminus of the gene, is not expected to trigger nonsense-mediated mRNAdecay, and impacts the last 4.8% of the protein. The exact functional effect of this variant is unknown. Based on the available evidence, the clinical significance of this variant remains unclear.

Labcorp Genetics (formerly Invitae), Labcorp
Classification: Uncertain significance for Colorectal cancer, hereditary nonpolyposis, type 7. Last evaluated: 2024-04-05. Review status: criteria provided, single submitter. Criteria: Invitae Variant Classification Sherloc (09022015). Collection method: clinical testing. Allele origin: germline.
Comment: This sequence change creates a premature translational stop signal (p.Leu1384Valfs*21) in the MLH3 gene. While this is not anticipated to result in nonsense mediated decay, it is expected to disrupt the last 70 amino acid(s) of the MLH3 protein. This variant is present in population databases (no rsID available, gnomAD 0.003%). This variant has not been reported in the literature in individuals affected with MLH3-related conditions. ClinVar contains an entry for this variant (Variation ID: 642151). Experimental studies and prediction algorithms are not available or were not evaluated, and the functional significance of this variant is currently unknown. In summary, the available evidence is currently insufficient to determine the role of this variant in disease. Therefore, it has been classified as a Variant of Uncertain Significance.

Department of Pathology and Laboratory Medicine, Sinai Health System
Classification: Uncertain significance for Colorectal cancer; Endometrial carcinoma; Colorectal cancer, hereditary nonpolyposis, type 7. Last evaluated: 2023-05-31. Review status: criteria provided, single submitter. Criteria: ACMG Guidelines, 2015. Collection method: clinical testing. Allele origin: germline. Affected: yes.

PreventionGenetics, part of Exact Sciences
Classification: Uncertain significance for MLH3-related condition. Last evaluated: 2023-12-04. Review status: no assertion criteria provided. Collection method: clinical testing. Allele origin: germline. Not counted in ClinVar's aggregate classification.
Comment: The MLH3 c.4150_4151delCT variant is predicted to result in a frameshift and premature protein termination (p.Leu1384Valfs*21). To our knowledge, this variant has not been reported in the literature. This variant is reported in 0.0031% of alleles in individuals of European (Non-Finnish) descent in gnomAD. It is interpreted as uncertain significance in ClinVar. Loss of function is not an established mechanism of MLH3-related disease. Although we suspect that this variant may be pathogenic, at this time, the clinical significance of this variant is uncertain due to the absence of conclusive functional and genetic evidence.